The following is an entry in ClinVar:

NM_006660.5(CLPX):c.1397C>T (p.Ser466Leu)

Gene: CLPX (caseinolytic mitochondrial matrix peptidase chaperone subunit X; minus strand). Cytogenetic location: 15q22.31.
Variant type: single nucleotide variant.
Coding change: c.1397C>T on transcript NM_006660.5 (MANE Select); coding-DNA position 1397, C replaced by T.
Protein change: p.Ser466Leu; replaces serine 466 with leucine.
Molecular consequence: missense variant. On other transcripts: non-coding transcript variant (1).
Genome position (GRCh38, 1-based): chr15:65,154,996, G>A on the plus strand (C>T on the coding strand, the complement: CLPX is on the minus strand). VCF-style: chr15-65154996-G-A. GRCh37 (hg19) VCF-style: chr15-65447334-G-A.
Other names: short protein forms S466L.
Identifiers: ClinVar variation 2175183 (VCV002175183.4), dbSNP rs775288540, ClinGen allele CA7614648.

ClinVar aggregate classification (germline): Uncertain significance (1 of 4 stars; one submission).

Allele frequency attached by ClinVar (database versions not stated): gnomAD 0.00006; TOPMed 0.00009.
gnomAD v4.1: 51 of 1,613,876 alleles (0.0032%); highest among the groups gnomAD compares: Admixed American, 0.018%; no homozygotes.

Submission:

Labcorp Genetics (formerly Invitae), Labcorp
Classification: Uncertain significance. Last evaluated: 2022-08-19. Review status: criteria provided, single submitter. Criteria: Invitae Variant Classification Sherloc (09022015). Collection method: clinical testing. Allele origin: germline.
Comment: This sequence change replaces serine, which is neutral and polar, with leucine, which is neutral and non-polar, at codon 466 of the CLPX protein (p.Ser466Leu). This variant has not been reported in the literature in individuals affected with CLPX-related conditions. Algorithms developed to predict the effect of missense changes on protein structure and function are either unavailable or do not agree on the potential impact of this missense change (SIFT: "Not Available"; PolyPhen-2: "Benign"; Align-GVGD: "Not Available"). In summary, the available evidence is currently insufficient to determine the role of this variant in disease. Therefore, it has been classified as a Variant of Uncertain Significance. This variant is present in population databases (rs775288540, gnomAD 0.009%).